The following is an entry in ClinVar:

NM_031407.7(HUWE1):c.10618G>C (p.Ala3540Pro)

Gene: HUWE1 (HECT, UBA and WWE domain containing E3 ubiquitin protein ligase 1; minus strand). Cytogenetic location: Xp11.22.
Variant type: single nucleotide variant.
Coding change: c.10618G>C on transcript NM_031407.7 (MANE Select); coding-DNA position 10618, G replaced by C.
Protein change: p.Ala3540Pro; replaces alanine 3540 with proline.
Molecular consequence: missense variant.
Genome position (GRCh38, 1-based): chrX:53,547,691, C>G on the plus strand (G>C on the coding strand, the complement: HUWE1 is on the minus strand). VCF-style: chrX-53547691-C-G. GRCh37 (hg19) VCF-style: chrX-53574652-C-G.
Other names: short protein forms A3540P.
Identifiers: ClinVar variation 2815605 (VCV002815605.3), dbSNP rs2523112301, ClinGen allele CA413135217.

ClinVar aggregate classification (germline): Uncertain significance (1 of 4 stars; one submission).

Submission:

Labcorp Genetics (formerly Invitae), Labcorp
Classification: Uncertain significance. Last evaluated: 2022-11-28. Review status: criteria provided, single submitter. Criteria: Invitae Variant Classification Sherloc (09022015). Collection method: clinical testing. Allele origin: germline.
Comment: Advanced modeling of protein sequence and biophysical properties (such as structural, functional, and spatial information, amino acid conservation, physicochemical variation, residue mobility, and thermodynamic stability) performed at Invitae indicates that this missense variant is not expected to disrupt HUWE1 protein function. In summary, the available evidence is currently insufficient to determine the role of this variant in disease. Therefore, it has been classified as a Variant of Uncertain Significance. This variant has not been reported in the literature in individuals affected with HUWE1-related conditions. This variant is not present in population databases (gnomAD no frequency). This sequence change replaces alanine, which is neutral and non-polar, with proline, which is neutral and non-polar, at codon 3540 of the HUWE1 protein (p.Ala3540Pro).